The following is an entry in ClinVar:

NM_004006.3(DMD):c.7585G>T (p.Glu2529Ter)

Gene: DMD (dystrophin; minus strand). Cytogenetic location: Xp21.1.
Variant type: single nucleotide variant.
Coding change: c.7585G>T on transcript NM_004006.3 (MANE Select); coding-DNA position 7585, G replaced by T.
Protein change: p.Glu2529Ter; replaces glutamic acid 2529 with a stop codon.
Molecular consequence: nonsense.
Genome position (GRCh38, 1-based): chrX:31,729,706, C>A on the plus strand (G>T on the coding strand, the complement: DMD is on the minus strand). VCF-style: chrX-31729706-C-A. GRCh37 (hg19) VCF-style: chrX-31747823-C-A.
Other names: c.7561G>T, p.Glu2521Ter (NM_000109.4); c.7573G>T, p.Glu2525Ter (NM_004009.3); c.7216G>T, p.Glu2406Ter (NM_004010.3); c.3562G>T, p.Glu1188Ter (NM_004011.4); c.3553G>T, p.Glu1185Ter (NM_004012.4); c.205G>T, p.Glu69Ter (NM_004013.3, NM_004020.4, NM_004021.3 and 2 more transcripts); short protein forms E1185*, E1188*, E2406*, E2521*, E2525*, E2529*, E69*.
Identifiers: ClinVar variation 1322468 (VCV001322468.9), dbSNP rs771509836, ClinGen allele CA412657638.

ClinVar aggregate classification (germline): Pathogenic (1 of 4 stars; one submission).

Conditions:
Duchenne muscular dystrophy (DMD). Also called: MUSCULAR DYSTROPHY, PSEUDOHYPERTROPHIC PROGRESSIVE, DUCHENNE TYPE; Duchenne Muscular Dystrophy (DMD). Identifiers: Orphanet 98896, MedGen C0013264, MONDO:0010679, OMIM 310200.

Submission:

Labcorp Genetics (formerly Invitae), Labcorp
Classification: Pathogenic for Duchenne muscular dystrophy. Last evaluated: 2022-08-16. Review status: criteria provided, single submitter. Criteria: Invitae Variant Classification Sherloc (09022015). Collection method: clinical testing. Allele origin: germline.
Comment: For these reasons, this variant has been classified as Pathogenic. ClinVar contains an entry for this variant (Variation ID: 1322468). This premature translational stop signal has been observed in individual(s) with Becker or Duchenne muscular dystrophy (PMID: 26968818, 27593222). This variant is not present in population databases (gnomAD no frequency). This sequence change creates a premature translational stop signal (p.Glu2529*) in the DMD gene. It is expected to result in an absent or disrupted protein product. Loss-of-function variants in DMD are known to be pathogenic (PMID: 16770791, 25007885).

Literature cited by the submitters: PubMed 26968818; PubMed 27593222; PubMed 16770791; PubMed 25007885.